The following is an entry in ClinVar:

ClinVar aggregate classification (germline): Benign/Likely benign. Review status: criteria provided, multiple submitters, no conflicts (2 of 4 stars). 2 submissions from 2 submitters: Benign (1); Likely benign (1). Last evaluated 2025-12-04.

Conditions:
Hypertrophic cardiomyopathy 10. Also called: CARDIOMYOPATHY, HYPERTROPHIC, MID-LEFT VENTRICULAR CHAMBER TYPE, 2; MYL2-Related Familial Hypertrophic Cardiomyopathy. Identifiers: MedGen C1834460, MONDO:0012112, OMIM 608758.

Allele frequency attached by ClinVar (database versions not stated): gnomAD exomes 0.00002 and 0.00003; ExAC 0.00003; gnomAD 0.00003; TOPMed 0.00003.

Submissions (2):

Labcorp Genetics (formerly Invitae), Labcorp
Classification: Likely benign for Hypertrophic cardiomyopathy 10. Last evaluated: 2025-12-04. Review status: criteria provided, single submitter. Criteria: Invitae Variant Classification Sherloc (09022015). Collection method: clinical testing. Allele origin: germline.

GeneDx
Classification: Benign. Last evaluated: 2014-07-30. Review status: criteria provided, single submitter. Criteria: GeneDx Variant Classification (06012015). Collection method: clinical testing. Allele origin: germline. Affected: yes.
Comment: This variant is considered likely benign or benign based on one or more of the following criteria: it is a conservative change, it occurs at a poorly conserved position in the protein, it is predicted to be benign by multiple in silico algorithms, and/or has population frequency not consistent with disease.

NM_000432.4(MYL2):c.4-18G>A

Genes: MYL2 (myosin light chain 2; minus strand), LOC114827850 (VISTA enhancer hs2149; plus strand). Cytogenetic location: 12q24.11.
Variant type: single nucleotide variant.
Coding change: c.4-18G>A on transcript NM_000432.4 (MANE Select); 18 bases into the intron before coding-DNA position 4, G replaced by A.
Molecular consequence: intron variant.
Genome position (GRCh38, 1-based): chr12:110,919,211, C>T on the plus strand (G>A on the coding strand, the complement: MYL2 is on the minus strand). VCF-style: chr12-110919211-C-T. GRCh37 (hg19) VCF-style: chr12-111357015-C-T.
Identifiers: ClinVar variation 181412 (VCV000181412.9), dbSNP rs730880933, ClinGen allele CA010327.